The following is an entry in ClinVar:

ClinVar aggregate classification (germline): Uncertain significance (1 of 4 stars; one submission).

Conditions:
Hypertrophic cardiomyopathy 2. Also called: TNNT2-Related Familial Hypertrophic Cardiomyopathy. Identifiers: MedGen C1861864, MONDO:0007266, OMIM 115195.
Dilated cardiomyopathy 1D. Identifiers: Orphanet 154, Orphanet 54260, MedGen C1832243, MONDO:0011095, OMIM 601494.
Cardiomyopathy, familial restrictive, 3. Identifiers: Orphanet 75249, MedGen C2676271, MONDO:0012900, OMIM 612422.

Submission:

Labcorp Genetics (formerly Invitae), Labcorp
Classification: Uncertain significance for Familial restrictive cardiomyopathy 3; Familial hypertrophic cardiomyopathy 2; Left ventricular noncompaction 6. Last evaluated: 2019-02-11. Review status: criteria provided, single submitter. Criteria: Invitae Variant Classification Sherloc (09022015). Collection method: clinical testing. Allele origin: germline.
Comment: This sequence change replaces arginine with tryptophan at codon 216 of the TNNT2 protein (p.Arg216Trp). The arginine residue is moderately conserved and there is a moderate physicochemical difference between arginine and tryptophan. This variant is not present in population databases (ExAC no frequency). This variant has not been reported in the literature in individuals with TNNT2-related conditions. Algorithms developed to predict the effect of missense changes on protein structure and function are either unavailable or do not agree on the potential impact of this missense change (SIFT: "Deleterious"; PolyPhen-2: "Probably Damaging"; Align-GVGD: "Class C0"). In summary, the available evidence is currently insufficient to determine the role of this variant in disease. Therefore, it has been classified as a Variant of Uncertain Significance.

NM_001276345.2(TNNT2):c.676A>T (p.Arg226Trp)

Gene: TNNT2 (troponin T2, cardiac type; minus strand). Cytogenetic location: 1q32.1.
Variant type: single nucleotide variant.
Coding change: c.676A>T on transcript NM_001276345.2 (MANE Select); coding-DNA position 676, A replaced by T.
Protein change: p.Arg226Trp; replaces arginine 226 with tryptophan.
Molecular consequence: missense variant.
Genome position (GRCh38, 1-based): chr1:201,361,956, T>A on the plus strand (A>T on the coding strand, the complement: TNNT2 is on the minus strand). VCF-style: chr1-201361956-T-A. GRCh37 (hg19) VCF-style: chr1-201331084-T-A.
Other names: c.667A>T, p.Arg223Trp (NM_000364.4); c.646A>T, p.Arg216Trp (NM_001001430.3, NM_001276347.2); c.637A>T, p.Arg213Trp (NM_001001431.3); c.628A>T, p.Arg210Trp (NM_001001432.3); c.547A>T, p.Arg183Trp (NM_001276346.2); short protein forms R216W, R226W, R183W, R210W, R213W, R223W.
Identifiers: ClinVar variation 844076 (VCV000844076.1), dbSNP rs1658724713, ClinGen allele CA344203677.